The following is an entry in ClinVar:

NM_003079.5(SMARCE1):c.121C>T (p.Leu41=)

Gene: SMARCE1 (SWI/SNF related BAF chromatin remodeling complex subunit E1; minus strand). Cytogenetic location: 17q21.2.
Variant type: single nucleotide variant.
Coding change: c.121C>T on transcript NM_003079.5 (MANE Select); coding-DNA position 121, C replaced by T.
Protein change: p.Leu41=; no amino-acid change (leucine 41 retained).
Molecular consequence: synonymous variant.
Genome position (GRCh38, 1-based): chr17:40,642,490, G>A on the plus strand (C>T on the coding strand, the complement: SMARCE1 is on the minus strand). VCF-style: chr17-40642490-G-A. GRCh37 (hg19) VCF-style: chr17-38798742-G-A.
Identifiers: ClinVar variation 2827202 (VCV002827202.3), dbSNP rs2508613507, ClinGen allele CA499964855.
Genomic context (GRCh38, chr17:40,642,490, plus strand): 5'-ATGCTGTAATAGTTGATTCTCCTACCGTGACCCGGCTGTTGGTGCCCGGGTTCCCTCCCA[G>A]CCTGTAGTTGTTGTAGGCGAGATGACTGTATGGATTGTATCCCACAAACCCTGGTGTGCT-3'
Protein context (NP_003070.3, residues 31-51): YSHLAYNNYR[Leu41=]GGNPGTNSRV

ClinVar aggregate classification (germline): Uncertain significance (1 of 4 stars; one submission).

Conditions:
Familial meningioma. Also called: Meningioma, familial, susceptibility to. Identifiers: Orphanet 263662, MedGen C3551915, MONDO:0011789, OMIM 607174.

Submission:

Labcorp Genetics (formerly Invitae), Labcorp
Classification: Uncertain significance for Familial meningioma. Last evaluated: 2023-01-09. Review status: criteria provided, single submitter. Criteria: Invitae Variant Classification Sherloc (09022015). Collection method: clinical testing. Allele origin: germline.
Comment: In summary, the available evidence is currently insufficient to determine the role of this variant in disease. Therefore, it has been classified as a Variant of Uncertain Significance. Algorithms developed to predict the effect of sequence changes on RNA splicing suggest that this variant may disrupt the consensus splice site. This variant has not been reported in the literature in individuals affected with SMARCE1-related conditions. This variant is not present in population databases (gnomAD no frequency). This sequence change affects codon 41 of the SMARCE1 mRNA. It is a 'silent' change, meaning that it does not change the encoded amino acid sequence of the SMARCE1 protein.